The following is an entry in ClinVar:

ClinVar aggregate classification (germline): Uncertain significance. Review status: criteria provided, multiple submitters, no conflicts (2 of 4 stars). 2 submissions from 2 submitters: Uncertain significance (2). Last evaluated 2022-06-24.

Conditions:
Inborn genetic diseases. Identifiers: MedGen C0950123, MeSH D030342.
Neurodevelopmental disorder. Identifiers: MedGen C1535926, MeSH D065886, MONDO:0700092.

Allele frequency attached by ClinVar (database versions not stated): gnomAD exomes 0.00001; TOPMed 0.00001.
gnomAD v4.1: 13 of 1,614,176 alleles (0.00081%); highest among the groups gnomAD compares: Non-Finnish European, 0.0011%; no homozygotes.

Submissions (2):

Ambry Genetics
Classification: Uncertain significance for Inborn genetic diseases. Last evaluated: 2022-06-24. Review status: criteria provided, single submitter. Criteria: Ambry Variant Classification Scheme 2023. Collection method: clinical testing. Allele origin: germline.

Victorian Clinical Genetics Services, Murdoch Childrens Research Institute
Classification: Uncertain significance for Neurodevelopmental disorder. Last evaluated: 2021-05-06. Review status: criteria provided, single submitter. Criteria: ACMG Guidelines, 2015. Collection method: clinical testing. Allele origin: germline. Inheritance: Autosomal dominant inheritance. Affected: yes.
Comment: Based on the classification scheme VCGS_Germline_v1.3.4, this variant is classified as VUS-3B. Following criteria are met: 0102 - Loss of function is a known mechanism of disease in this gene and is associated with SCAF4-related neurodevelopmental disorder (PMID: 32730804). (I) 0107 - This gene is associated with autosomal dominant disease. (I) 0115 - Variants in this gene are known to have variable expressivity (PMID: 32730804). (I) 0200 - Variant is predicted to result in a missense amino acid change from serine to glycine. (I) 0251 - This variant is heterozygous. (I) 0302 - Variant is present in gnomAD <0.001 for a dominant condition (v2: 1 heterozygote, 0 homozygotes). (SP) 0309 - An alternative amino acid change at the same position has been observed in gnomAD (v2: 1 heterozygote, 0 homozygotes). (I) 0503 - Missense variant consistently predicted to be tolerated by multiple in silico tools or not conserved in placental mammals with a minor amino acid change. (SB) 0600 - Variant is located in the annotated CID domain (Uniprot). (I) 0705 - No comparable missense variants have previous evidence for pathogenicity. (I) 0807 - This variant has no previous evidence of pathogenicity. (I) 0905 - No published segregation evidence has been identified for this variant. (I) 1007 - No published functional evidence has been identified for this variant. (I) 1208 - Inheritance information for this variant is not currently available in this individual. (I) Legend: (SP) - Supporting pathogenic, (I) - Information, (SB) - Supporting benign

Literature cited by the submitters: PubMed 32730804 (cited by Victorian Clinical Genetics Services, Murdoch Childrens Research Institute).

NM_020706.2(SCAF4):c.415A>G (p.Ser139Gly)

Gene: SCAF4 (SR-related CTD associated factor 4; minus strand). Cytogenetic location: 21q22.11.
Variant type: single nucleotide variant.
Coding change: c.415A>G on transcript NM_020706.2 (MANE Select); coding-DNA position 415, A replaced by G.
Protein change: p.Ser139Gly; replaces serine 139 with glycine.
Molecular consequence: missense variant.
Genome position (GRCh38, 1-based): chr21:31,702,286, T>C on the plus strand (A>G on the coding strand, the complement: SCAF4 is on the minus strand). VCF-style: chr21-31702286-T-C. GRCh37 (hg19) VCF-style: chr21-33074599-T-C.
Other names: c.370A>G, p.Ser124Gly (NM_001145444.1); c.415A>G, p.Ser139Gly (NM_001145445.1); short protein forms S124G, S139G.
Identifiers: ClinVar variation 1805348 (VCV001805348.4), dbSNP rs1474995125, ClinGen allele CA410050649.